The following is an entry in ClinVar:

NM_015335.5(MED13L):c.53A>T (p.His18Leu)

Gene: MED13L (mediator complex subunit 13L; minus strand). Cytogenetic location: 12q24.21.
Variant type: single nucleotide variant.
Coding change: c.53A>T on transcript NM_015335.5 (MANE Select); coding-DNA position 53, A replaced by T.
Protein change: p.His18Leu; replaces histidine 18 with leucine.
Molecular consequence: missense variant.
Genome position (GRCh38, 1-based): chr12:116,277,079, T>A on the plus strand (A>T on the coding strand, the complement: MED13L is on the minus strand). VCF-style: chr12-116277079-T-A. GRCh37 (hg19) VCF-style: chr12-116714884-T-A.
Other names: short protein forms H18L.
Identifiers: ClinVar variation 1878697 (VCV001878697.6), dbSNP rs2500191265, ClinGen allele CA386927897.

ClinVar aggregate classification (germline): Uncertain significance. Review status: criteria provided, multiple submitters, no conflicts (2 of 4 stars). 2 submissions from 2 submitters: Uncertain significance (2). Last evaluated 2023-01-10.

Conditions:
Dextro-looped transposition of the great arteries. Also called: Dextrotransposition of the great arteries. Identifiers: Orphanet 860, MedGen C3531771, MONDO:0019443, OMIM 608808, HP:0031348.

Allele frequency attached by ClinVar (database versions not stated): gnomAD exomes below 0.00001.
gnomAD v4.1: 5 of 1,591,168 alleles (0.00031%); highest among the groups gnomAD compares: Non-Finnish European, 0.00043%; no homozygotes.

Submissions (2):

GeneDx
Classification: Uncertain significance. Last evaluated: 2023-01-10. Review status: criteria provided, single submitter. Criteria: GeneDx Variant Classification Process June 2021. Collection method: clinical testing. Allele origin: germline. Affected: yes.
Comment: Not observed at significant frequency in large population cohorts (gnomAD); In silico analysis supports that this missense variant has a deleterious effect on protein structure/function; Has not been previously published as pathogenic or benign to our knowledge

Labcorp Genetics (formerly Invitae), Labcorp
Classification: Uncertain significance for Dextro-looped transposition of the great arteries. Last evaluated: 2023-01-10. Review status: criteria provided, single submitter. Criteria: Invitae Variant Classification Sherloc (09022015). Collection method: clinical testing. Allele origin: germline.
Comment: This variant is not present in population databases (gnomAD no frequency). This sequence change replaces histidine, which is basic and polar, with leucine, which is neutral and non-polar, at codon 18 of the MED13L protein (p.His18Leu). In summary, the available evidence is currently insufficient to determine the role of this variant in disease. Therefore, it has been classified as a Variant of Uncertain Significance. Advanced modeling of protein sequence and biophysical properties (such as structural, functional, and spatial information, amino acid conservation, physicochemical variation, residue mobility, and thermodynamic stability) has been performed at Invitae for this missense variant, however the output from this modeling did not meet the statistical confidence thresholds required to predict the impact of this variant on MED13L protein function. This variant has not been reported in the literature in individuals affected with MED13L-related conditions.